The following is an entry in ClinVar:

ClinVar aggregate classification (germline): Likely pathogenic (1 of 4 stars; one submission).

Conditions:
Dent disease type 1 (DENT1). Also called: NEPHROLITHIASIS 2; NEPHROLITHIASIS, HYPERCALCIURIC, X-LINKED. Identifiers: Orphanet 1652, Orphanet 93622, MedGen C1848336, MONDO:0010225, OMIM 300009.

Submission:

Neuberg Centre For Genomic Medicine, NCGM
Classification: Likely pathogenic for Dent disease type 1. Review status: criteria provided, single submitter. Criteria: ACMG Guidelines, 2015. Collection method: clinical testing. Allele origin: germline. Inheritance: X-linked inheritance. Affected: yes.
Comment: The c.776G>A (p.Trp259Ter) variant has not been reported previously as a pathogenic variant nor as a benign variant, to our knowledge. The variant is novel (not in any individuals) in gnomAD Exomes and is novel (not in any individuals) in 1000 Genomes. This variant is predicted to cause loss of normal protein function through protein truncation. Loss of function variants have been previously reported to be disease causing. For these reasons, this variant has been classified as Likely Pathogenic.

NM_001127898.4(CLCN5):c.776G>A (p.Trp259Ter)

Gene: CLCN5 (Cl-/H+ antiporter 5; plus strand). Cytogenetic location: Xp11.23.
Variant type: single nucleotide variant.
Coding change: c.776G>A on transcript NM_001127898.4 (MANE Select); coding-DNA position 776, G replaced by A.
Protein change: p.Trp259Ter; replaces tryptophan 259 with a stop codon.
Molecular consequence: nonsense.
Genome position (GRCh38, 1-based): chrX:50,081,690, G>A. VCF-style: chrX-50081690-G-A. GRCh37 (hg19) VCF-style: chrX-49846347-G-A.
Other names: c.566G>A, p.Trp189Ter (NM_000084.5); c.776G>A, p.Trp259Ter (NM_001127899.4); c.626G>A, p.Trp209Ter (NM_001282163.2); short protein forms W189*, W209*, W259*.
Identifiers: ClinVar variation 2585075 (VCV002585075.1), dbSNP rs2519422022, ClinGen allele CA413184115.